The following is an entry in ClinVar:

ClinVar aggregate classification (germline): Benign. Review status: criteria provided, multiple submitters, no conflicts (2 of 4 stars). 3 submissions from 3 submitters: Benign (3). Last evaluated 2026-03-30.

Conditions:
Spondylodysplastic Ehlers-Danlos syndrome. Identifiers: Orphanet 536471, Orphanet 75496, MedGen C5680154, MONDO:0007526.

Allele frequency attached by ClinVar (database versions not stated): 1000 Genomes Project 30x 0.00984; 1000 Genomes Project 0.01018; ESP Exome Variant Server 0.01225; TOPMed 0.01236; gnomAD 0.01095 and 0.01194.

Submissions (3):

Women's Health and Genetics/Laboratory Corporation of America, LabCorp
Classification: Benign. Last evaluated: 2026-03-30. Review status: criteria provided, single submitter. Criteria: LabCorp Variant Classification Summary - May 2015. Collection method: clinical testing. Allele origin: germline.

Labcorp Genetics (formerly Invitae), Labcorp
Classification: Benign for Spondylodysplastic Ehlers-Danlos syndrome. Last evaluated: 2026-02-02. Review status: criteria provided, single submitter. Criteria: Invitae Variant Classification Sherloc (09022015). Collection method: clinical testing. Allele origin: germline.

GeneDx
Classification: Benign. Last evaluated: 2017-12-05. Review status: criteria provided, single submitter. Criteria: GeneDx Variant Classification (06012015). Collection method: clinical testing. Allele origin: germline. Affected: yes.
Comment: This variant is considered likely benign or benign based on one or more of the following criteria: it is a conservative change, it occurs at a poorly conserved position in the protein, it is predicted to be benign by multiple in silico algorithms, and/or has population frequency not consistent with disease.

NM_007255.3(B4GALT7):c.413+12C>G

Gene: B4GALT7 (beta-1,4-galactosyltransferase 7; plus strand). Cytogenetic location: 5q35.3.
Variant type: single nucleotide variant.
Coding change: c.413+12C>G on transcript NM_007255.3 (MANE Select); 12 bases into the intron after coding-DNA position 413, C replaced by G.
Molecular consequence: intron variant.
Genome position (GRCh38, 1-based): chr5:177,604,553, C>G. VCF-style: chr5-177604553-C-G. GRCh37 (hg19) VCF-style: chr5-177031554-C-G.
Identifiers: ClinVar variation 517055 (VCV000517055.10), dbSNP rs77537553, ClinGen allele CA3586471.
Genomic context (GRCh38, chr5:177,604,553, plus strand): 5'-AGAAGATCCGGCACCACATCTACGTGCTCAACCAGGTGGACCACTTCAGGTAGCGCCCGC[C>G]CCCACCCTCTCCCCTCGGCACCCCTGCCCGGGCTCAGGCTTCTCAGGCCCTGTGAGAGGC-3'